The following is an entry in ClinVar:

ClinVar aggregate classification (germline): Uncertain significance. Review status: criteria provided, multiple submitters, no conflicts (2 of 4 stars). 3 submissions from 3 submitters: Uncertain significance (3). Last evaluated 2025-09-29.

Conditions:
Inborn genetic diseases. Identifiers: MedGen C0950123, MeSH D030342.

Allele frequency attached by ClinVar (database versions not stated): gnomAD exomes 0.00002 and 0.00005; ExAC 0.00003; gnomAD 0.00004; ESP Exome Variant Server 0.00008; TOPMed 0.00008.
gnomAD v4.1: 84 of 1,613,932 alleles (0.0052%); highest among the groups gnomAD compares: African/African-American, 0.0067%; no homozygotes.

Submissions (3):

Ambry Genetics
Classification: Uncertain significance for Inborn genetic diseases. Last evaluated: 2025-09-29. Review status: criteria provided, single submitter. Criteria: Ambry Variant Classification Scheme 2023. Collection method: clinical testing. Allele origin: germline.

Blueprint Genetics
Classification: Uncertain significance. Last evaluated: 2024-10-04. Review status: criteria provided, single submitter. Criteria: ACMG Guidelines, 2015. Collection method: clinical testing. Allele origin: germline.

Labcorp Genetics (formerly Invitae), Labcorp
Classification: Uncertain significance. Last evaluated: 2022-07-12. Review status: criteria provided, single submitter. Criteria: Invitae Variant Classification Sherloc (09022015). Collection method: clinical testing. Allele origin: germline.
Comment: This sequence change replaces arginine, which is basic and polar, with histidine, which is basic and polar, at codon 1342 of the KIAA1549 protein (p.Arg1342His). This variant is present in population databases (rs371501280, gnomAD 0.008%). This variant has not been reported in the literature in individuals affected with KIAA1549-related conditions. ClinVar contains an entry for this variant (Variation ID: 956331). Algorithms developed to predict the effect of missense changes on protein structure and function (SIFT, PolyPhen-2, Align-GVGD) all suggest that this variant is likely to be disruptive. In summary, the available evidence is currently insufficient to determine the role of this variant in disease. Therefore, it has been classified as a Variant of Uncertain Significance.

NM_001164665.2(KIAA1549):c.4025G>A (p.Arg1342His)

Gene: KIAA1549 (KIAA1549; minus strand). Cytogenetic location: 7q34.
Variant type: single nucleotide variant.
Coding change: c.4025G>A on transcript NM_001164665.2 (MANE Select); coding-DNA position 4025, G replaced by A.
Protein change: p.Arg1342His; replaces arginine 1342 with histidine.
Molecular consequence: missense variant.
Genome position (GRCh38, 1-based): chr7:138,894,349, C>T on the plus strand (G>A on the coding strand, the complement: KIAA1549 is on the minus strand). VCF-style: chr7-138894349-C-T. GRCh37 (hg19) VCF-style: chr7-138579095-C-T.
Other names: c.4025G>A, p.Arg1342His (NM_020910.3); short protein forms R1342H.
Identifiers: ClinVar variation 956331 (VCV000956331.7), dbSNP rs371501280, ClinGen allele CA4506044.